The following is an entry in ClinVar:

ClinVar aggregate classification (germline): Uncertain significance. Review status: criteria provided, multiple submitters, no conflicts (2 of 4 stars). 3 submissions from 3 submitters: Uncertain significance (3). Last evaluated 2025-05-26.

Conditions:
Pendred syndrome (PDS). Also called: Pendred Syndrome (PDS); HYPOTHYROIDISM, CONGENITAL, DUE TO DYSHORMONOGENESIS, 2B; THYROID DYSHORMONOGENESIS 2B; THYROID HORMONOGENESIS, GENETIC DEFECT IN, 2B; DEAFNESS WITH GOITER; GOITER-DEAFNESS SYNDROME. Identifiers: Orphanet 705, MedGen C0271829, MONDO:0010134, OMIM 274600.
Autosomal recessive nonsyndromic hearing loss 4 (DFNB4). Also called: Enlarged vestibular aqueduct, digenic; DEAFNESS, AUTOSOMAL RECESSIVE 4, WITH ENLARGED VESTIBULAR AQUEDUCT, DIGENIC; NEUROSENSORY NONSYNDROMIC RECESSIVE DEAFNESS 4; Deafness, autosomal recessive 4, with enlarged vestibular aqueduct; Nonsyndromic enlarged vestibular aqueduct (NSEVA); Deafness, autosomal recessive 4. Identifiers: Orphanet 90636, MedGen C3538946, MONDO:0010933, OMIM 600791.

Allele frequency attached by ClinVar (database versions not stated): gnomAD exomes below 0.00001 and 0.00001; TOPMed below 0.00001; gnomAD 0.00001.
gnomAD v4.1: 7 of 1,614,066 alleles (0.00043%); highest among the groups gnomAD compares: Non-Finnish European, 0.00059%; no homozygotes.

Submissions (3):

Ambry Genetics
Classification: Uncertain significance. Last evaluated: 2025-05-26. Review status: criteria provided, single submitter. Criteria: Ambry Variant Classification Scheme 2023. Collection method: clinical testing. Allele origin: germline.

Labcorp Genetics (formerly Invitae), Labcorp
Classification: Uncertain significance. Last evaluated: 2022-04-08. Review status: criteria provided, single submitter. Criteria: Invitae Variant Classification Sherloc (09022015). Collection method: clinical testing. Allele origin: germline.
Comment: This variant is present in population databases (no rsID available, gnomAD 0.0009%). This sequence change replaces alanine, which is neutral and non-polar, with threonine, which is neutral and polar, at codon 255 of the FOXI1 protein (p.Ala255Thr). This variant has not been reported in the literature in individuals affected with FOXI1-related conditions. Algorithms developed to predict the effect of missense changes on protein structure and function output the following: SIFT: "Deleterious"; PolyPhen-2: "Benign"; Align-GVGD: "Class C0". The threonine amino acid residue is found in multiple mammalian species, which suggests that this missense change does not adversely affect protein function. In summary, the available evidence is currently insufficient to determine the role of this variant in disease. Therefore, it has been classified as a Variant of Uncertain Significance.

Fulgent Genetics
Classification: Uncertain significance for Pendred syndrome; Autosomal recessive nonsyndromic hearing loss 4. Last evaluated: 2021-12-05. Review status: criteria provided, single submitter. Criteria: ACMG Guidelines, 2015. Collection method: clinical testing. Allele origin: unknown.

NM_012188.5(FOXI1):c.763G>A (p.Ala255Thr)

Gene: FOXI1 (forkhead box I1; plus strand). Cytogenetic location: 5q35.1.
Variant type: single nucleotide variant.
Coding change: c.763G>A on transcript NM_012188.5 (MANE Select); coding-DNA position 763, G replaced by A.
Protein change: p.Ala255Thr; replaces alanine 255 with threonine.
Molecular consequence: missense variant. On other transcripts: intron variant (1).
Genome position (GRCh38, 1-based): chr5:170,108,237, G>A. VCF-style: chr5-170108237-G-A. GRCh37 (hg19) VCF-style: chr5-169535241-G-A.
Other names: c.575-97G>A (NM_144769.4); c.763G>A (NM_012188.4); short protein forms A255T.
Identifiers: ClinVar variation 1381247 (VCV001381247.10), dbSNP rs951259617, ClinGen allele CA132050256.
Genomic context (GRCh38, chr5:170,108,237, plus strand): 5'-GAGAGCAGTCTCCCGGTGGACAGCCCCAAGACCACGGAGCCTCAGGACATCTTGGATGGA[G>A]CCTCACCAGGGGGCACCACCAGCTCCCCAGAGAAGCGGCCCTCCCCTCCCCCATCAGGCG-3'
Protein context (NP_036320.2, residues 245-265): TTEPQDILDG[Ala255Thr]SPGGTTSSPE